The following is an entry in ClinVar:

NM_203447.4(DOCK8):c.6055G>C (p.Glu2019Gln)

Gene: DOCK8 (dedicator of cytokinesis 8; plus strand). Cytogenetic location: 9p24.3.
Variant type: single nucleotide variant.
Coding change: c.6055G>C on transcript NM_203447.4 (MANE Select); coding-DNA position 6055, G replaced by C.
Protein change: p.Glu2019Gln; replaces glutamic acid 2019 with glutamine.
Molecular consequence: missense variant.
Genome position (GRCh38, 1-based): chr9:452,104, G>C. VCF-style: chr9-452104-G-C. GRCh37 (hg19) VCF-style: chr9-452104-G-C.
Other names: c.5755G>C, p.Glu1919Gln (NM_001190458.2); c.5851G>C, p.Glu1951Gln (NM_001193536.2); short protein forms E1951Q, E1919Q, E2019Q.
Identifiers: ClinVar variation 1945865 (VCV001945865.5), dbSNP rs2057485395, ClinGen allele CA372769832.

ClinVar aggregate classification (germline): Uncertain significance (1 of 4 stars; one submission).

Conditions:
Combined immunodeficiency due to DOCK8 deficiency (HIES2). Also called: DOCK8 Deficiency; HIES autosomal recessive; Hyper-IgE recurrent infection syndrome, autosomal recessive; HYPER-IgE RECURRENT INFECTION SYNDROME 2, AUTOSOMAL RECESSIVE; HYPER-IgE SYNDROME 2, AUTOSOMAL RECESSIVE, WITH RECURRENT INFECTIONS. Identifiers: Orphanet 217390, MedGen C4722305, MONDO:0009478, OMIM 243700.

Allele frequency attached by ClinVar (database versions not stated): gnomAD exomes below 0.00001.
gnomAD v4.1: 1 of 1,609,814 alleles (0.000062%); highest among the groups gnomAD compares: Non-Finnish European, 0.000085%; no homozygotes.

Submission:

Labcorp Genetics (formerly Invitae), Labcorp
Classification: Uncertain significance for Combined immunodeficiency due to DOCK8 deficiency. Last evaluated: 2022-02-24. Review status: criteria provided, single submitter. Criteria: Invitae Variant Classification Sherloc (09022015). Collection method: clinical testing. Allele origin: germline.
Comment: In summary, the available evidence is currently insufficient to determine the role of this variant in disease. Therefore, it has been classified as a Variant of Uncertain Significance. Algorithms developed to predict the effect of missense changes on protein structure and function are either unavailable or do not agree on the potential impact of this missense change (SIFT: "Tolerated"; PolyPhen-2: "Probably Damaging"; Align-GVGD: "Class C0"). This variant has not been reported in the literature in individuals affected with DOCK8-related conditions. This variant is not present in population databases (gnomAD no frequency). This sequence change replaces glutamic acid, which is acidic and polar, with glutamine, which is neutral and polar, at codon 2019 of the DOCK8 protein (p.Glu2019Gln).